The following is an entry in ClinVar:

NM_000143.4(FH):c.29_32delinsTT (p.Arg10fs)

Gene: FH (fumarate hydratase; minus strand). Cytogenetic location: 1q43.
Variant type: Indel.
Coding change: c.29_32delinsTT on transcript NM_000143.4 (MANE Select); coding-DNA positions 29 to 32, GCTC replaced by TT.
Protein change: p.Arg10fs; shifts the reading frame from arginine 10.
Molecular consequence: frameshift variant.
Genome position (GRCh38, 1-based): chr1:241,519,691-241,519,694, GAGC replaced by AA on the plus strand (GCTC replaced by TT on the coding strand, the reverse complement: FH is on the minus strand). VCF-style: chr1-241519691-GAGC-AA. GRCh37 (hg19) VCF-style: chr1-241682991-GAGC-AA.
Other names: short protein forms R10fs.
Identifiers: ClinVar variation 2675688 (VCV002675688.4), dbSNP rs2527345613, ClinGen allele CA2695200401.

ClinVar aggregate classification (germline): Conflicting classifications of pathogenicity. Review status: criteria provided, conflicting classifications (1 of 4 stars). 2 submissions from 2 submitters: Likely pathogenic (1); Uncertain significance (1). Last evaluated 2025-12-03.

Conditions:
Fumarase deficiency (FMRD). Also called: Fumarate Hydratase Deficiency; Fumaric aciduria. Identifiers: Orphanet 24, MedGen C0342770, MONDO:0011730, OMIM 606812.
Hereditary cancer-predisposing syndrome. Also called: Tumor predisposition; Neoplastic Syndromes, Hereditary; Hereditary Cancer Syndrome; Hereditary neoplastic syndrome. Identifiers: Orphanet 140162, MedGen C0027672, MeSH D009386, MONDO:0015356.

Submissions (2):

Ambry Genetics
Classification: Uncertain significance for Hereditary cancer-predisposing syndrome. Last evaluated: 2025-12-03. Review status: criteria provided, single submitter. Criteria: Ambry Variant Classification Scheme 2023. Collection method: clinical testing. Allele origin: germline.
Comment: The c.29_32delGCTCinsTT variant, located in coding exon 1 of the FH gene, results from the deletion of 4 nucleotides and insertion of two nucleotides causing a translational frameshift with a predicted alternate stop codon (p.R10Lfs*45). This alteration is expected to result in loss of function by premature protein truncation or nonsense-mediated mRNA decay. However, there is a second in-frame methionine at p.M44. Proteins initiated from the first methionine are targeted to the mitochondrion while proteins initiated from the second methionine are targeted to the cytoplasm due to the lack of the mitochondrial targeting sequence encoded between them (Dik E et al. Traffic, 2016 Jul;17:720-32, Magrane M et al., Database (Oxford) 2011; bar009). Data suggest that it is the cytoplasmic protein that conveys the tumor suppressor function of FH (Yogev O et al. PLoS Biol., 2010 Mar;8:e1000328). Alterations that are expected to adversely affect the protein before the second methionine have been observed in individuals who do not have a personal or family history that is consistent with or suggestive of HLRCC (Ambry internal data). Since supporting evidence is limited at this time, the clinical significance of this alteration remains unclear.

Baylor Genetics
Classification: Likely pathogenic for Fumarase deficiency. Last evaluated: 2024-01-27. Review status: criteria provided, single submitter. Criteria: ACMG Guidelines, 2015. Collection method: clinical testing. Allele origin: unknown.